The following is an entry in ClinVar:

NM_014915.3(ANKRD26):c.1635G>C (p.Gln545His)

Gene: ANKRD26 (ankyrin repeat domain containing 26; minus strand). Cytogenetic location: 10p12.1.
Variant type: single nucleotide variant.
Coding change: c.1635G>C on transcript NM_014915.3 (MANE Select); coding-DNA position 1635, G replaced by C.
Protein change: p.Gln545His; replaces glutamine 545 with histidine.
Molecular consequence: missense variant.
Genome position (GRCh38, 1-based): chr10:27,053,320, C>G on the plus strand (G>C on the coding strand, the complement: ANKRD26 is on the minus strand). VCF-style: chr10-27053320-C-G. GRCh37 (hg19) VCF-style: chr10-27342249-C-G.
Other names: c.1635G>C, p.Gln545His (NM_001256053.2); short protein forms Q545H.
Identifiers: ClinVar variation 2504315 (VCV002504315.1), dbSNP rs1037752574, ClinGen allele CA204415395.

ClinVar aggregate classification (germline): Uncertain significance (1 of 4 stars; one submission).

gnomAD v4.1: 16 of 1,599,702 alleles (0.001%); highest among the groups gnomAD compares: Non-Finnish European, 0.0014%; no homozygotes.

Submission:

GeneDx
Classification: Uncertain significance. Last evaluated: 2022-12-02. Review status: criteria provided, single submitter. Criteria: GeneDx Variant Classification Process June 2021. Collection method: clinical testing. Allele origin: germline. Affected: yes.
Comment: Not observed at significant frequency in large population cohorts (gnomAD); In silico analysis supports that this missense variant has a deleterious effect on protein structure/function; In silico analysis supports a deleterious effect on splicing; Has not been previously published as pathogenic or benign to our knowledge